The following is an entry in ClinVar:

ClinVar aggregate classification (germline): Uncertain significance (1 of 4 stars; one submission).

Conditions:
Hypertrophic cardiomyopathy. Also called: HYPERTROPHIC MYOCARDIOPATHY. Identifiers: Orphanet 217569, MedGen C0007194, MeSH D002312, MONDO:0005045, HP:0001639.

Submission:

Labcorp Genetics (formerly Invitae), Labcorp
Classification: Uncertain significance for Hypertrophic cardiomyopathy. Last evaluated: 2023-08-10. Review status: criteria provided, single submitter. Criteria: Invitae Variant Classification Sherloc (09022015). Collection method: clinical testing. Allele origin: germline.
Comment: In summary, the available evidence is currently insufficient to determine the role of this variant in disease. Therefore, it has been classified as a Variant of Uncertain Significance. An algorithm developed to predict the effect of missense changes on protein structure and function (PolyPhen-2) suggests that this variant is likely to be tolerated. ClinVar contains an entry for this variant (Variation ID: 2100415). This variant has not been reported in the literature in individuals affected with MYOM1-related conditions. This variant is not present in population databases (gnomAD no frequency). This sequence change replaces alanine, which is neutral and non-polar, with threonine, which is neutral and polar, at codon 53 of the MYOM1 protein (p.Ala53Thr).

NM_003803.4(MYOM1):c.157G>A (p.Ala53Thr)

Gene: MYOM1 (myomesin 1; minus strand). Cytogenetic location: 18p11.31.
Variant type: single nucleotide variant.
Coding change: c.157G>A on transcript NM_003803.4 (MANE Select); coding-DNA position 157, G replaced by A.
Protein change: p.Ala53Thr; replaces alanine 53 with threonine.
Molecular consequence: missense variant.
Genome position (GRCh38, 1-based): chr18:3,215,067, C>T on the plus strand (G>A on the coding strand, the complement: MYOM1 is on the minus strand). VCF-style: chr18-3215067-C-T. GRCh37 (hg19) VCF-style: chr18-3215065-C-T.
Other names: c.157G>A, p.Ala53Thr (NM_019856.2); short protein forms A53T.
Identifiers: ClinVar variation 2100415 (VCV002100415.4), dbSNP rs2510750897, ClinGen allele CA401718167.